The following is an entry in ClinVar:

NM_016292.3(TRAP1):c.1795-3C>G

Genes: DNASE1 (deoxyribonuclease 1; plus strand), TRAP1 (TNF receptor associated protein 1; minus strand). Cytogenetic location: 16p13.3.
Variant type: single nucleotide variant.
Coding change: c.1795-3C>G on transcript NM_016292.3 (MANE Select); 3 bases into the intron before coding-DNA position 1795, C replaced by G.
Molecular consequence: intron variant.
Genome position (GRCh38, 1-based): chr16:3,662,135, G>C on the plus strand (C>G on the coding strand, the complement: TRAP1 is on the minus strand). VCF-style: chr16-3662135-G-C. GRCh37 (hg19) VCF-style: chr16-3712136-G-C.
Other names: NC_000016.9:g.3712136G>C; c.*22-511G>C (NM_001387140.1); c.1636-3C>G (NM_001272049.2).
Identifiers: ClinVar variation 4411764 (VCV004411764.1).

ClinVar aggregate classification (germline): Uncertain significance (1 of 4 stars; one submission).

gnomAD v4.1: 112 of 1,610,734 alleles (0.007%); highest among the groups gnomAD compares: African/African-American, 0.14%; 1 homozygote.

Submissions (2):

Labcorp Genetics (formerly Invitae), Labcorp
Classification: Uncertain significance. Last evaluated: 2025-09-07. Review status: criteria provided, single submitter. Criteria: Invitae Variant Classification Sherloc (09022015). Collection method: clinical testing. Allele origin: germline.
Comment: This sequence change falls in intron 15 of the TRAP1 gene. It does not directly change the encoded amino acid sequence of the TRAP1 protein. It affects a nucleotide within the consensus splice site. This variant is present in population databases (rs372686543, gnomAD 0.1%), and has an allele count higher than expected for a pathogenic variant. This variant has not been reported in the literature in individuals affected with TRAP1-related conditions. Variants that disrupt the consensus splice site are a relatively common cause of aberrant splicing (PMID: 17576681, 9536098). Algorithms developed to predict the effect of sequence changes on RNA splicing suggest that this variant may disrupt the consensus splice site. In summary, the available evidence is currently insufficient to determine the role of this variant in disease. Therefore, it has been classified as a Variant of Uncertain Significance.

Dr. Peter K. Rogan Lab, Western University
No classification provided (evidence only). Condition: Familial cancer of breast. Review status: no classification provided. Collection method: in vitro. Allele origin: not applicable. Functional consequence: skipped exon, retained intron. Not counted in ClinVar's aggregate classification.

Literature cited by the submitters: PubMed 17576681 (cited by Labcorp Genetics (formerly Invitae), Labcorp); PubMed 9536098 (cited by Labcorp Genetics (formerly Invitae), Labcorp).